The following is an entry in ClinVar:

ClinVar aggregate classification (germline): Likely benign (1 of 4 stars; one submission).

Allele frequency attached by ClinVar (database versions not stated): gnomAD exomes below 0.00001.
gnomAD v4.1: 1 of 1,613,464 alleles (0.000062%); highest among the groups gnomAD compares: Non-Finnish European, 0.000085%; no homozygotes.

Submission:

GeneDx
Classification: Likely benign. Last evaluated: 2018-03-07. Review status: criteria provided, single submitter. Criteria: GeneDx Variant Classification (06012015). Collection method: clinical testing. Allele origin: germline. Affected: yes.
Comment: This variant is considered likely benign or benign based on one or more of the following criteria: it is a conservative change, it occurs at a poorly conserved position in the protein, it is predicted to be benign by multiple in silico algorithms, and/or has population frequency not consistent with disease.

NM_201384.3(PLEC):c.12384G>T (p.Arg4128=)

Gene: PLEC (plectin; minus strand). Cytogenetic location: 8q24.3.
Variant type: single nucleotide variant.
Coding change: c.12384G>T on transcript NM_201384.3 (MANE Select); coding-DNA position 12384, G replaced by T.
Protein change: p.Arg4128=; no amino-acid change (arginine 4128 retained).
Molecular consequence: synonymous variant.
Genome position (GRCh38, 1-based): chr8:143,917,437, C>A on the plus strand (G>T on the coding strand, the complement: PLEC is on the minus strand). VCF-style: chr8-143917437-C-A. GRCh37 (hg19) VCF-style: chr8-144991605-C-A.
Other names: c.12465G>T, p.Arg4155= (NM_000445.5); c.12342G>T, p.Arg4114= (NM_201378.4); c.12318G>T, p.Arg4106= (NM_201379.3); c.12795G>T, p.Arg4265= (NM_201380.4); c.12288G>T, p.Arg4096= (NM_201381.3); c.12384G>T, p.Arg4128= (NM_201382.4); c.12396G>T, p.Arg4132= (NM_201383.3).
Identifiers: ClinVar variation 515663 (VCV000515663.1), dbSNP rs1554672078, ClinGen allele CA463527170.